The following is an entry in ClinVar:

NM_001042492.3(NF1):c.7142A>G (p.Asn2381Ser)

Gene: NF1 (neurofibromin 1; plus strand). Cytogenetic location: 17q11.2.
Variant type: single nucleotide variant.
Coding change: c.7142A>G on transcript NM_001042492.3 (MANE Select); coding-DNA position 7142, A replaced by G.
Protein change: p.Asn2381Ser; replaces asparagine 2381 with serine.
Molecular consequence: missense variant.
Genome position (GRCh38, 1-based): chr17:31,343,088, A>G. VCF-style: chr17-31343088-A-G. GRCh37 (hg19) VCF-style: chr17-29670106-A-G.
Other names: c.7079A>G, p.Asn2360Ser (NM_000267.4); short protein forms N2360S, N2381S.
Identifiers: ClinVar variation 237591 (VCV000237591.12), dbSNP rs878853912, ClinGen allele CA10583521.
Genomic context (GRCh38, chr17:31,343,088, plus strand): 5'-TGGCAATCCGGAATCCTCTGGAGTGGCACTGCAAGCAAATGGATCATTTTGTTGGACTCA[A>G]TTTCAACTCTAACTTTAACTTTGCATTGGTTGGACACCTTTTAAAAGGTAAAAAAGCCTT-3'
Protein context (NP_001035957.1, residues 2371-2391): CKQMDHFVGL[Asn2381Ser]FNSNFNFALV

ClinVar aggregate classification (germline): Conflicting classifications of pathogenicity. Review status: criteria provided, conflicting classifications (1 of 4 stars). 4 submissions from 4 submitters: Uncertain significance (2); Likely benign (1). 1 of the submissions does not count toward it. Last evaluated 2024-10-15.

Conditions:
Cardiovascular phenotype. Identifiers: MedGen CN230736.
Hereditary cancer-predisposing syndrome. Also called: Tumor predisposition; Hereditary Cancer Syndrome; Hereditary neoplastic syndrome; Neoplastic Syndromes, Hereditary. Identifiers: Orphanet 140162, MedGen C0027672, MeSH D009386, MONDO:0015356.
Neurofibromatosis, familial spinal (FSNF). Identifiers: Orphanet 636, MedGen C1834235, MONDO:0008078, OMIM 162210. Disease mechanism: loss of function.
Juvenile myelomonocytic leukemia (JMML). Also called: LEUKEMIA, JUVENILE MYELOMONOCYTIC, SOMATIC. Identifiers: Orphanet 86834, MedGen C0349639, MONDO:0011908, OMIM 607785, HP:0012209.
Neurofibromatosis, type 1 (NF1). Also called: VON RECKLINGHAUSEN DISEASE; NEUROFIBROMATOSIS, TYPE I, SOMATIC; Peripheral type neurofibromatosis; Neurofibromatosis, type I. Identifiers: Orphanet 636, MedGen C0027831, MONDO:0018975, OMIM 162200. Disease mechanism: loss of function.
Neurofibromatosis-Noonan syndrome (NFNS). Also called: NEUROFIBROMATOSIS WITH NOONAN PHENOTYPE. Identifiers: Orphanet 638, MedGen C2931482, MONDO:0011035, OMIM 601321. Disease mechanism: loss of function.
Café-au-lait macules with pulmonary stenosis (WTSN). Also called: PULMONIC STENOSIS WITH CAFE-AU-LAIT SPOTS. Identifiers: MedGen C0553586, MONDO:0008672, OMIM 193520.
NF1-related disorder. Also called: NF1-related condition. Identifiers: MedGen CN379171.

Allele frequency attached by ClinVar (database versions not stated): gnomAD exomes below 0.00001; gnomAD 0.00001.
gnomAD v4.1: 2 of 1,613,974 alleles (0.00012%); highest among the groups gnomAD compares: Non-Finnish European, 0.000085%; no homozygotes.

Submissions (4):

Labcorp Genetics (formerly Invitae), Labcorp
Classification: Uncertain significance for Neurofibromatosis, type 1. Last evaluated: 2024-10-15. Review status: criteria provided, single submitter. Criteria: Invitae Variant Classification Sherloc (09022015). Collection method: clinical testing. Allele origin: germline.
Comment: This sequence change replaces asparagine, which is neutral and polar, with serine, which is neutral and polar, at codon 2360 of the NF1 protein (p.Asn2360Ser). This variant is present in population databases (no rsID available, gnomAD 0.004%). This variant has not been reported in the literature in individuals affected with NF1-related conditions. ClinVar contains an entry for this variant (Variation ID: 237591). Invitae Evidence Modeling of protein sequence and biophysical properties (such as structural, functional, and spatial information, amino acid conservation, physicochemical variation, residue mobility, and thermodynamic stability) indicates that this missense variant is not expected to disrupt NF1 protein function with a negative predictive value of 95%. In summary, the available evidence is currently insufficient to determine the role of this variant in disease. Therefore, it has been classified as a Variant of Uncertain Significance.

Fulgent Genetics
Classification: Uncertain significance for Neurofibromatosis, type 1; Neurofibromatosis, familial spinal; Café-au-lait macules with pulmonary stenosis; Neurofibromatosis-Noonan syndrome; Juvenile myelomonocytic leukemia. Last evaluated: 2024-05-08. Review status: criteria provided, single submitter. Criteria: ACMG Guidelines, 2015. Collection method: clinical testing. Allele origin: germline.

Ambry Genetics
Classification: Likely benign for Cardiovascular phenotype; Hereditary cancer-predisposing syndrome. Last evaluated: 2023-11-29. Review status: criteria provided, single submitter. Criteria: Ambry Variant Classification Scheme 2023. Collection method: clinical testing. Allele origin: germline.

PreventionGenetics, part of Exact Sciences
Classification: Uncertain significance for NF1-related condition. Last evaluated: 2024-07-05. Review status: no assertion criteria provided. Collection method: clinical testing. Allele origin: germline. Not counted in ClinVar's aggregate classification.
Comment: The NF1 c.7142A>G variant is predicted to result in the amino acid substitution p.Asn2381Ser. To our knowledge, this variant has not been reported in the literature. This variant is also known as c.7079A>G (p.Asn2360Ser) in the hereditary cancer main reportable transcript NM_000267. This variant is reported in 0.0040% of alleles in individuals of European (Finnish) descent in gnomAD. This variant has conflicting interpretations in ClinVar ranging from uncertain significance to benign. At this time, the clinical significance of this variant is uncertain due to the absence of conclusive functional and genetic evidence.